The following is an entry in ClinVar:

NM_194277.3(FRMD7):c.1901C>A (p.Ala634Glu)

Gene: FRMD7 (FERM domain containing 7; minus strand). Cytogenetic location: Xq26.2.
Variant type: single nucleotide variant.
Coding change: c.1901C>A on transcript NM_194277.3 (MANE Select); coding-DNA position 1901, C replaced by A.
Protein change: p.Ala634Glu; replaces alanine 634 with glutamic acid.
Molecular consequence: missense variant.
Genome position (GRCh38, 1-based): chrX:132,078,116, G>T on the plus strand (C>A on the coding strand, the complement: FRMD7 is on the minus strand). VCF-style: chrX-132078116-G-T. GRCh37 (hg19) VCF-style: chrX-131212144-G-T.
Other names: c.1856C>A, p.Ala619Glu (NM_001306193.2); short protein forms A619E, A634E.
Identifiers: ClinVar variation 1463869 (VCV001463869.8), dbSNP rs758786935, ClinGen allele CA10518806.

ClinVar aggregate classification (germline): Uncertain significance (1 of 4 stars; one submission).

Allele frequency attached by ClinVar (database versions not stated): gnomAD exomes below 0.00001 and 0.00001; ExAC 0.00001.
gnomAD v4.1: 6 of 1,210,774 alleles (0.0005%); highest among the groups gnomAD compares: Non-Finnish European, 0.00034%; no homozygotes.

Submission:

Labcorp Genetics (formerly Invitae), Labcorp
Classification: Uncertain significance. Last evaluated: 2025-12-03. Review status: criteria provided, single submitter. Criteria: Invitae Variant Classification Sherloc (09022015). Collection method: clinical testing. Allele origin: germline.
Comment: This sequence change replaces alanine, which is neutral and non-polar, with glutamic acid, which is acidic and polar, at codon 634 of the FRMD7 protein (p.Ala634Glu). The frequency data for this variant in the population databases is considered unreliable, as metrics indicate poor data quality at this position in the gnomAD database. This variant has not been reported in the literature in individuals affected with FRMD7-related conditions. ClinVar contains an entry for this variant (Variation ID: 1463869). An algorithm developed to predict the effect of missense changes on protein structure and function outputs the following: PolyPhen-2: "Benign". The glutamic acid amino acid residue is found in multiple mammalian species, which suggests that this missense change does not adversely affect protein function. In summary, the available evidence is currently insufficient to determine the role of this variant in disease. Therefore, it has been classified as a Variant of Uncertain Significance.